The following is an entry in ClinVar:

ClinVar aggregate classification (germline): Uncertain significance. Review status: criteria provided, multiple submitters, no conflicts (2 of 4 stars). 4 submissions from 4 submitters: Uncertain significance (4). Last evaluated 2026-01-11.

Conditions:
Inborn genetic diseases. Identifiers: MedGen C0950123, MeSH D030342.
Progressive sclerosing poliodystrophy (MTDPS4A). Also called: ALPERS DIFFUSE DEGENERATION OF CEREBRAL GRAY MATTER WITH HEPATIC CIRRHOSIS; Alpers-Huttenlocher Syndrome; ALPERS PROGRESSIVE INFANTILE POLIODYSTROPHY; NEURONAL DEGENERATION OF CHILDHOOD WITH LIVER DISEASE, PROGRESSIVE; Mitochondrial DNA Depletion Syndrome 4A; Alpers-Huttenlocher Syndrome (AHS). Identifiers: Orphanet 726, MedGen C0205710, MONDO:0008758, OMIM 203700.

gnomAD v4.1: 4 of 1,608,372 alleles (0.00025%); highest among the groups gnomAD compares: Admixed American, 0.0067%; no homozygotes.

Submissions (4):

Labcorp Genetics (formerly Invitae), Labcorp
Classification: Uncertain significance for Progressive sclerosing poliodystrophy. Last evaluated: 2026-01-11. Review status: criteria provided, single submitter. Criteria: Invitae Variant Classification Sherloc (09022015). Collection method: clinical testing. Allele origin: germline.
Comment: This sequence change replaces arginine, which is basic and polar, with leucine, which is neutral and non-polar, at codon 722 of the POLG protein (p.Arg722Leu). This variant is present in population databases (rs185645212, gnomAD 0.006%). This variant has not been reported in the literature in individuals affected with POLG-related conditions. ClinVar contains an entry for this variant (Variation ID: 206513). Invitae Evidence Modeling of protein sequence and biophysical properties (such as structural, functional, and spatial information, amino acid conservation, physicochemical variation, residue mobility, and thermodynamic stability) indicates that this missense variant is not expected to disrupt POLG protein function with a negative predictive value of 95%. In summary, the available evidence is currently insufficient to determine the role of this variant in disease. Therefore, it has been classified as a Variant of Uncertain Significance.

GeneDx
Classification: Uncertain significance. Last evaluated: 2024-02-14. Review status: criteria provided, single submitter. Criteria: GeneDx Variant Classification Process June 2021. Collection method: clinical testing. Allele origin: germline. Affected: yes.
Comment: Not observed at significant frequency in large population cohorts (gnomAD); In silico analysis supports that this missense variant does not alter protein structure/function; Has not been previously published as pathogenic or benign to our knowledge; In silico analysis suggests this variant may impact gene splicing. In the absence of RNA/functional studies, the actual effect of this sequence change is unknown.

Ambry Genetics
Classification: Uncertain significance for Inborn genetic diseases. Last evaluated: 2019-06-10. Review status: criteria provided, single submitter. Criteria: Ambry Variant Classification Scheme 2023. Collection method: clinical testing. Allele origin: germline.
Comment: The p.R722L variant (also known as c.2165G>T), located in coding exon 12 of the POLG gene, results from a G to T substitution at nucleotide position 2165. The arginine at codon 722 is replaced by leucine, an amino acid with dissimilar properties. This amino acid position is poorly conserved in available vertebrate species. In addition, this alteration is predicted to be tolerated by in silico analysis. Since supporting evidence is limited at this time, the clinical significance of this alteration remains unclear.

Wong Mito Lab, Molecular and Human Genetics, Baylor College of Medicine
Classification: Uncertain significance for Progressive sclerosing poliodystrophy. Last evaluated: 2018-10-01. Review status: criteria provided, single submitter. Criteria: ACMG Guidelines, 2015. Collection method: clinical testing. Allele origin: germline.
Comment: The NM_002693.2:c.2165G>T (NP_002684.1:p.Arg722Leu) [GRCH38: NC_000015.10:g.89323504C>A] variant in POLG gene is interpretated to be a Uncertain Significance based on ACMG guidelines (PMID: 25741868). This variant meets the following evidence codes reported in the ACMG-guideline. BP4:Computational evidence/predictors indicate no impact on the POLG structure, function, or protein-protein interaction. PS1:This variation causes same amino-acid change as an established pathogenic variant. Based on the evidence criteria codes applied, the variant is suggested to be Uncertain Significance.

NM_002693.3(POLG):c.2165G>T (p.Arg722Leu)

Gene: POLG (DNA polymerase gamma, catalytic subunit; minus strand). Cytogenetic location: 15q26.1.
Variant type: single nucleotide variant.
Coding change: c.2165G>T on transcript NM_002693.3 (MANE Select); coding-DNA position 2165, G replaced by T.
Protein change: p.Arg722Leu; replaces arginine 722 with leucine.
Molecular consequence: missense variant.
Genome position (GRCh38, 1-based): chr15:89,323,504, C>A on the plus strand (G>T on the coding strand, the complement: POLG is on the minus strand). VCF-style: chr15-89323504-C-A. GRCh37 (hg19) VCF-style: chr15-89866735-C-A.
Other names: p.R722L:CGT>CTT; c.2165G>T, p.Arg722Leu (NM_001126131.2); short protein forms R722L.
Identifiers: ClinVar variation 206513 (VCV000206513.14), dbSNP rs185645212, ClinGen allele CA316672.